The following is an entry in ClinVar:

NM_000138.5(FBN1):c.2804G>A (p.Cys935Tyr)

Gene: FBN1 (fibrillin 1; minus strand). Cytogenetic location: 15q21.1.
Variant type: single nucleotide variant.
Coding change: c.2804G>A on transcript NM_000138.5 (MANE Select); coding-DNA position 2804, G replaced by A.
Protein change: p.Cys935Tyr; replaces cysteine 935 with tyrosine.
Molecular consequence: missense variant.
Genome position (GRCh38, 1-based): chr15:48,492,511, C>T on the plus strand (G>A on the coding strand, the complement: FBN1 is on the minus strand). VCF-style: chr15-48492511-C-T. GRCh37 (hg19) VCF-style: chr15-48784708-C-T.
Other names: short protein forms C935Y.
Identifiers: ClinVar variation 633214 (VCV000633214.5), dbSNP rs1566910918, ClinGen allele CA392330601.

ClinVar aggregate classification (germline): Conflicting classifications of pathogenicity. Review status: criteria provided, conflicting classifications (1 of 4 stars). 3 submissions from 3 submitters: Likely pathogenic (2); Uncertain significance (1). Last evaluated 2026-08-27.

Submissions (3):

GeneDx
Classification: Likely pathogenic. Last evaluated: 2026-08-27. Review status: criteria provided, single submitter. Criteria: GeneDx Variant Classification Process June 2021. Collection method: clinical testing. Allele origin: germline.
Comment: Not observed at significant frequency in large population cohorts (gnomAD); In silico analysis supports that this missense variant has a deleterious effect on protein structure/function; Affects a cysteine residue within an EGF-like domain of the FBN1 gene, which may affect disulfide bonding and is predicted to alter the structure and function of the protein; cysteine substitutions in the EGF-like domains represent the majority of pathogenic missense changes associated with FBN1-related disorders (PMID: 12938084); This variant is associated with the following publications: (PMID: 34550612, 34281902, 34818515)

Dasa
Classification: Likely pathogenic. Last evaluated: 2025-11-13. Review status: criteria provided, single submitter. Criteria: DASA Assertion Criteria. Collection method: clinical testing. Allele origin: germline.
Comment: NM_000138.5(FBN1):c.2804G>A (p.Cys935Tyr) is a missense variant that results in the substitution of cysteine with tyrosine. The affected residue or protein region has prior evidence supporting clinical relevance. This variant has been recurrently observed in individuals with FBN1-related disorders (PMID: 34550612; PMID: 34281902). Also, this variant is absent from population databases. Computational evidence supports a deleterious effect. Based on the currently available evidence, this variant is classified as likely pathogenic.

Women's Health and Genetics/Laboratory Corporation of America, LabCorp
Classification: Uncertain significance. Last evaluated: 2021-03-30. Review status: criteria provided, single submitter. Criteria: LabCorp Variant Classification Summary - May 2015. Collection method: clinical testing. Allele origin: germline.
Comment: Variant summary: FBN1 c.2804G>A (p.Cys935Tyr) results in a non-conservative amino acid change located in one of the EGF-like calcium-binding domains (IPR001881) of the encoded protein sequence. Five of five in-silico tools predict a damaging effect of the variant on protein function. The variant was absent in 251460 control chromosomes (gnomAD). c.2804G>A has been reported in two related patients with suspected Marfan syndrome in a study carried out as part of a doctoral thesis (Magyar_2011). This report does not provide unequivocal conclusions about association of the variant with Marfan Syndrome. To our knowledge, no experimental evidence demonstrating an impact on protein function has been reported. No other clinical diagnostic laboratories have submitted clinical-significance assessments for this variant to ClinVar after 2014. Missense mutations affecting or creating cysteine residues are listed among the criteria for a causal FBN1 mutation when identified as de novo (with proven paternity) in the revised Ghent criteria for the diagnosis of Marfan and related conditions (PMID: 20591885). Based on the evidence outlined above, the variant is classified as VUS-possibly pathogenic until additional evidence of clinical and/or functional importance becomes available.

Literature cited by the submitters: PubMed 34550612 (cited by Dasa); PubMed 34281902 (cited by Dasa).